The following is an entry in ClinVar:

ClinVar aggregate classification (germline): Likely pathogenic. Review status: criteria provided, multiple submitters, no conflicts (2 of 4 stars). 2 submissions from 2 submitters: Likely pathogenic (2). Last evaluated 2019-11-25.

Conditions:
Dilated cardiomyopathy 1G (CMD1G). Identifiers: Orphanet 154, MedGen C1858763, MONDO:0011400, OMIM 604145.
Autosomal recessive limb-girdle muscular dystrophy type 2J (LGMDR10). Also called: MUSCULAR DYSTROPHY, LIMB-GIRDLE, AUTOSOMAL RECESSIVE 10; Limb-girdle muscular dystrophy, type 2J. Identifiers: Orphanet 140922, MedGen C1837342, MONDO:0012127, OMIM 608807.

Submissions (2):

Labcorp Genetics (formerly Invitae), Labcorp
Classification: Likely pathogenic for Dilated cardiomyopathy 1G; Autosomal recessive limb-girdle muscular dystrophy type 2J. Last evaluated: 2019-11-25. Review status: criteria provided, single submitter. Criteria: Invitae Variant Classification Sherloc (09022015). Collection method: clinical testing. Allele origin: germline.
Comment: In summary, the currently available evidence indicates that the variant is pathogenic, but additional data are needed to prove that conclusively. Therefore, this variant has been classified as Likely Pathogenic. This variant is found in the A-band of this gene. While this particular variant has not been reported in the literature, truncating variants in the A-band of TTN are significantly overrepresented in patients with dilated cardiomyopathy and are considered to be likely pathogenic for the disease (PMID: 25589632). This variant is not present in population databases (ExAC no frequency). This sequence change results in a premature translational stop signal in the TTN gene (p.Ile31647Leufs*10). It is expected to result in an absent or disrupted protein product.

Stanford Center for Inherited Cardiovascular Disease, Stanford University
Classification: Likely pathogenic. Last evaluated: 2017-12-18. Review status: criteria provided, single submitter. Criteria: ACMG Guidelines, 2015. Collection method: provider interpretation. Allele origin: germline.

Literature cited by the submitters: PubMed 25589632 (cited by Labcorp Genetics (formerly Invitae), Labcorp).

NM_001267550.2(TTN):c.94939del (p.Ile31647fs)

Genes: TTN (titin; minus strand), TTN-AS1 (TTN antisense RNA 1; plus strand). Cytogenetic location: 2q31.2.
Variant type: Deletion.
Coding change: c.94939del on transcript NM_001267550.2 (MANE Select); coding-DNA position 94939, one base deleted (A; older notation c.94939delA).
Protein change: p.Ile31647fs; shifts the reading frame from isoleucine 31647.
Molecular consequence: frameshift variant.
Genome position (GRCh38, 1-based): chr2:178,546,392, T deleted on the plus strand (A on the coding strand, the reverse complement: TTN is on the minus strand); the first of 4 consecutive T bases (chr2:178,546,392-178,546,395); deleting any one gives the same sequence. VCF-style (leftmost placement, unchanged base first): chr2-178546391-AT-A. GRCh37 (hg19) VCF-style: chr2-179411118-AT-A.
Other names: c.90016del, p.Ile30006fs (NM_001256850.1); c.94939delA (NM_001267550.2); c.67744del, p.Ile22582fs (NM_003319.4); c.87235del, p.Ile29079fs (NM_133378.4); c.68119del, p.Ile22707fs (NM_133432.3); c.68320del, p.Ile22774fs (NM_133437.4); short protein forms I30006fs, I31647fs, I22582fs, I22707fs, I22774fs, I29079fs.
Identifiers: ClinVar variation 534988 (VCV000534988.14), dbSNP rs1553521978, ClinGen allele CA658795979.